The following is an entry in ClinVar:

ClinVar aggregate classification (germline): Uncertain significance (1 of 4 stars; one submission).

Submission:

Labcorp Genetics (formerly Invitae), Labcorp
Classification: Uncertain significance. Last evaluated: 2022-06-10. Review status: criteria provided, single submitter. Criteria: Invitae Variant Classification Sherloc (09022015). Collection method: clinical testing. Allele origin: germline.
Comment: This variant has not been reported in the literature in individuals affected with KPNA7-related conditions. Experimental studies and prediction algorithms are not available or were not evaluated, and the functional significance of this variant is currently unknown. In summary, the available evidence is currently insufficient to determine the role of this variant in disease. Therefore, it has been classified as a Variant of Uncertain Significance. This variant is a gross deletion of the genomic region encompassing exon(s) 6-10 of the KPNA7 gene, which includes the termination codon. This deletion extends beyond the assayed region for this gene and therefore may encompass additional genes. While this deletion is not anticipated to lead to nonsense mediated decay, it is expected to alter mRNA translation or result in a truncated protein product.

NC_000007.13:g.(?_98771331)_(98786206_?)del

Gene: KPNA7 (karyopherin subunit alpha 7; minus strand). Cytogenetic location: 7q22.1.
Variant type: Deletion.
Identifiers: ClinVar variation 2423884 (VCV002423884.3).